The following is an entry in ClinVar:

NM_002474.3(MYH11):c.2520+6T>C

Gene: MYH11 (myosin heavy chain 11; minus strand). Cytogenetic location: 16p13.11.
Variant type: single nucleotide variant.
Coding change: c.2520+6T>C on transcript NM_002474.3 (MANE Select); 6 bases into the intron after coding-DNA position 2520, T replaced by C.
Molecular consequence: intron variant.
Genome position (GRCh38, 1-based): chr16:15,745,123, A>G on the plus strand (T>C on the coding strand, the complement: MYH11 is on the minus strand). VCF-style: chr16-15745123-A-G. GRCh37 (hg19) VCF-style: chr16-15838980-A-G.
Other names: c.2520+6T>C (NM_022844.3); c.2541+6T>C (NM_001040114.2, NM_001040113.2).
Identifiers: ClinVar variation 3071607 (VCV003071607.1), dbSNP rs2506241322, ClinGen allele CA2575923036.

ClinVar aggregate classification (germline): Uncertain significance (1 of 4 stars; one submission).

Conditions:
Familial thoracic aortic aneurysm and aortic dissection (TAAD). Also called: Thoracic aortic aneurysms and dissections. Identifiers: Orphanet 91387, MedGen C4707243, MONDO:0019625.

Submission:

All of Us Research Program, National Institutes of Health
Classification: Uncertain significance for Familial thoracic aortic aneurysm and aortic dissection. Last evaluated: 2023-06-08. Review status: criteria provided, single submitter. Criteria: ACMG Guidelines, 2015. Collection method: clinical testing. Allele origin: germline. Inheritance: Autosomal dominant inheritance. Observed: 1 variant allele, 1 heterozygote.
Comment: This variant causes a T to C nucleotide substitution at the +6 position of intron 21 of the MYH11 gene. To our knowledge, functional studies have not been reported for this variant. This variant has not been reported in individuals affected with MYH11-related disorders in the literature. This variant has not been identified in the general population by the Genome Aggregation Database (gnomAD). The available evidence is insufficient to determine the role of this variant in disease conclusively. Therefore, this variant is classified as a Variant of Uncertain Significance.

This study involves interpretation of variants in research participants for the purpose of population health screening. Participant phenotype was not available at the time of variant classification. Additional details can be found in publication PMID: 35346344, PMCID: PMC8962531